The following is an entry in ClinVar:

NM_001605.3(AARS1):c.1123A>G (p.Ile375Val)

Gene: AARS1 (alanyl-tRNA synthetase 1; minus strand). Cytogenetic location: 16q22.1.
Variant type: single nucleotide variant.
Coding change: c.1123A>G on transcript NM_001605.3 (MANE Select); coding-DNA position 1123, A replaced by G.
Protein change: p.Ile375Val; replaces isoleucine 375 with valine.
Molecular consequence: missense variant.
Genome position (GRCh38, 1-based): chr16:70,267,758, T>C on the plus strand (A>G on the coding strand, the complement: AARS1 is on the minus strand). VCF-style: chr16-70267758-T-C. GRCh37 (hg19) VCF-style: chr16-70301661-T-C.
Other names: short protein forms I375V.
Identifiers: ClinVar variation 2980755 (VCV002980755.3), dbSNP rs2507012727, ClinGen allele CA396563798.
Genomic context (GRCh38, chr16:70,267,758, plus strand): 5'-TGTCCAGGATGCGACGCCCTCTGCTGAGAGTCTTGAGAAACTGCACCTCTTCTTCATTAA[T>C]GATGTCCTTCACCATGTCTGGGTCCTTCTTCAGCTCAGGAAATGCATCTCCCTGACAAAG-3'
Protein context (NP_001596.2, residues 365-385): KKDPDMVKDI[Ile375Val]NEEEVQFLKT

ClinVar aggregate classification (germline): Uncertain significance (1 of 4 stars; one submission).

Conditions:
Charcot-Marie-Tooth disease type 2. Also called: Charcot-Marie-Tooth type 2. Identifiers: Orphanet 64746, MedGen C0270914, MONDO:0018993.

Allele frequency attached by ClinVar (database versions not stated): gnomAD exomes below 0.00001.
gnomAD v4.1: 1 of 1,614,208 alleles (0.000062%); highest among the groups gnomAD compares: African/African-American, 0.0013%; no homozygotes.

Submission:

Labcorp Genetics (formerly Invitae), Labcorp
Classification: Uncertain significance for Charcot-Marie-Tooth disease type 2. Last evaluated: 2023-06-23. Review status: criteria provided, single submitter. Criteria: Invitae Variant Classification Sherloc (09022015). Collection method: clinical testing. Allele origin: germline.
Comment: This sequence change replaces isoleucine, which is neutral and non-polar, with valine, which is neutral and non-polar, at codon 375 of the AARS protein (p.Ile375Val). This variant is not present in population databases (gnomAD no frequency). This variant has not been reported in the literature in individuals affected with AARS-related conditions. Advanced modeling of protein sequence and biophysical properties (such as structural, functional, and spatial information, amino acid conservation, physicochemical variation, residue mobility, and thermodynamic stability) performed at Invitae indicates that this missense variant is not expected to disrupt AARS protein function. In summary, the available evidence is currently insufficient to determine the role of this variant in disease. Therefore, it has been classified as a Variant of Uncertain Significance.